The following is an entry in ClinVar:

ClinVar aggregate classification (germline): Likely pathogenic (1 of 4 stars; one submission).

Conditions:
Dilated cardiomyopathy 1G (CMD1G). Identifiers: Orphanet 154, MedGen C1858763, MONDO:0011400, OMIM 604145.
Autosomal recessive limb-girdle muscular dystrophy type 2J (LGMDR10). Also called: MUSCULAR DYSTROPHY, LIMB-GIRDLE, AUTOSOMAL RECESSIVE 10; Limb-girdle muscular dystrophy, type 2J. Identifiers: Orphanet 140922, MedGen C1837342, MONDO:0012127, OMIM 608807.

Submission:

Labcorp Genetics (formerly Invitae), Labcorp
Classification: Likely pathogenic for Dilated cardiomyopathy 1G; Autosomal recessive limb-girdle muscular dystrophy type 2J. Last evaluated: 2018-05-22. Review status: criteria provided, single submitter. Criteria: Invitae Variant Classification Sherloc (09022015). Collection method: clinical testing. Allele origin: germline.
Comment: This sequence change results in a premature translational stop signal in the TTN gene (p.Thr28669Asnfs*6). While this is not anticipated to result in nonsense mediated decay, it is expected to create a truncated TTN protein. In summary, the currently available evidence indicates that the variant is pathogenic, but additional data are needed to prove that conclusively. Therefore, this variant has been classified as Likely Pathogenic. This variant is found in the A-band of this gene. Truncating variants in the A-band of TTN are significantly overrepresented in patients with dilated cardiomyopathy and are considered to be likely pathogenic for the disease (PMID: 25589632). This variant has not been reported in the literature in individuals with TTN-related disease. This variant is not present in population databases (ExAC no frequency).

Literature cited by the submitters: PubMed 25589632.

NM_001267550.2(TTN):c.86003dup (p.Thr28669fs)

Genes: TTN (titin; minus strand), TTN-AS1 (TTN antisense RNA 1; plus strand). Cytogenetic location: 2q31.2.
Variant type: Duplication.
Coding change: c.86003dup on transcript NM_001267550.2 (MANE Select); coding-DNA position 86003, one base duplicated (T; older notation c.86003dupT).
Protein change: p.Thr28669fs; shifts the reading frame from threonine 28669.
Molecular consequence: frameshift variant.
Genome position (GRCh38, 1-based): chr2:178,560,129, A duplicated on the plus strand (T on the coding strand, the reverse complement: TTN is on the minus strand). VCF-style (leftmost placement, unchanged base first): chr2-178560128-T-TA. GRCh37 (hg19) VCF-style: chr2-179424855-T-TA.
Other names: c.81080dup, p.Thr27028fs (NM_001256850.1); c.58808dup, p.Thr19604fs (NM_003319.4); c.78299dup, p.Thr26101fs (NM_133378.4); c.59183dup, p.Thr19729fs (NM_133432.3); c.59384dup, p.Thr19796fs (NM_133437.4); c.86003dupT (NM_001267550.2); short protein forms T19604fs, T19729fs, T19796fs, T27028fs, T28669fs, T26101fs.
Identifiers: ClinVar variation 566574 (VCV000566574.9), dbSNP rs1559284676, ClinGen allele CA891843231.